The following is an entry in ClinVar:

ClinVar aggregate classification (germline): Uncertain significance (1 of 4 stars; one submission).

Conditions:
Hereditary cancer-predisposing syndrome. Also called: Tumor predisposition; Hereditary neoplastic syndrome; Hereditary Cancer Syndrome; Neoplastic Syndromes, Hereditary. Identifiers: Orphanet 140162, MedGen C0027672, MeSH D009386, MONDO:0015356.

Submission:

Ambry Genetics
Classification: Uncertain significance for Hereditary cancer-predisposing syndrome. Last evaluated: 2024-02-10. Review status: criteria provided, single submitter. Criteria: Ambry Variant Classification Scheme 2023. Collection method: clinical testing. Allele origin: germline.
Comment: The p.I359M variant (also known as c.1077A>G), located in coding exon 7 of the MSH3 gene, results from an A to G substitution at nucleotide position 1077. The isoleucine at codon 359 is replaced by methionine, an amino acid with highly similar properties. This amino acid position is conserved. In addition, this alteration is predicted to be tolerated by in silico analysis. Based on the available evidence, the clinical significance of this alteration remains unclear.

NM_002439.5(MSH3):c.1077A>G (p.Ile359Met)

Gene: MSH3 (mutS homolog 3; plus strand). Cytogenetic location: 5q14.1.
Variant type: single nucleotide variant.
Coding change: c.1077A>G on transcript NM_002439.5 (MANE Select); coding-DNA position 1077, A replaced by G.
Protein change: p.Ile359Met; replaces isoleucine 359 with methionine.
Molecular consequence: missense variant.
Genome position (GRCh38, 1-based): chr5:80,675,032, A>G. VCF-style: chr5-80675032-A-G. GRCh37 (hg19) VCF-style: chr5-79970851-A-G.
Other names: short protein forms I359M.
Identifiers: ClinVar variation 3222223 (VCV003222223.1), dbSNP rs2546724270, ClinGen allele CA360268002.